The following is an entry in ClinVar:

NM_022916.6(VPS33A):c.1740A>T (p.Lys580Asn)

Gene: VPS33A (VPS33A core subunit of CORVET and HOPS complexes; minus strand). Cytogenetic location: 12q24.31.
Variant type: single nucleotide variant.
Coding change: c.1740A>T on transcript NM_022916.6 (MANE Select); coding-DNA position 1740, A replaced by T.
Protein change: p.Lys580Asn; replaces lysine 580 with asparagine.
Molecular consequence: missense variant.
Genome position (GRCh38, 1-based): chr12:122,232,297, T>A on the plus strand (A>T on the coding strand, the complement: VPS33A is on the minus strand). VCF-style: chr12-122232297-T-A. GRCh37 (hg19) VCF-style: chr12-122716844-T-A.
Other names: c.1707A>T, p.Lys569Asn (NM_001351018.2); c.1692A>T, p.Lys564Asn (NM_001351019.2); c.1419A>T, p.Lys473Asn (NM_001351020.2); short protein forms K569N, K473N, K580N, K564N.
Identifiers: ClinVar variation 2011900 (VCV002011900.4), dbSNP rs770141578, ClinGen allele CA244728677.
Genomic context (GRCh38, chr12:122,232,297, plus strand): 5'-CTGAACATCCTAGAAAGGTTTTTCCATCAGAGCCTCTATCCAACTGGTTCCATTCATTAG[T>A]TTAGTGGTGGCAATGACATATTCTGTACCTCCATCTTCCAACTGGGAGAGAAATCGCAGG-3'
Protein context (NP_075067.2, residues 570-590): GGTEYVIATT[Lys580Asn]LMNGTSWIEA

ClinVar aggregate classification (germline): Uncertain significance (1 of 4 stars; one submission).

gnomAD v4.1: 1 of 1,614,116 alleles (0.000062%); highest among the groups gnomAD compares: Non-Finnish European, 0.000085%; no homozygotes.

Submission:

Labcorp Genetics (formerly Invitae), Labcorp
Classification: Uncertain significance. Last evaluated: 2022-11-22. Review status: criteria provided, single submitter. Criteria: Invitae Variant Classification Sherloc (09022015). Collection method: clinical testing. Allele origin: germline.
Comment: In summary, the available evidence is currently insufficient to determine the role of this variant in disease. Therefore, it has been classified as a Variant of Uncertain Significance. Advanced modeling of protein sequence and biophysical properties (such as structural, functional, and spatial information, amino acid conservation, physicochemical variation, residue mobility, and thermodynamic stability) performed at Invitae indicates that this missense variant is not expected to disrupt VPS33A protein function. This variant has not been reported in the literature in individuals affected with VPS33A-related conditions. This variant is not present in population databases (gnomAD no frequency). This sequence change replaces lysine, which is basic and polar, with asparagine, which is neutral and polar, at codon 580 of the VPS33A protein (p.Lys580Asn).